The following is an entry in ClinVar:

ClinVar aggregate classification (germline): Uncertain significance (1 of 4 stars; one submission).

Conditions:
Inborn genetic diseases. Identifiers: MedGen C0950123, MeSH D030342.

gnomAD v4.1: 2 of 1,602,240 alleles (0.00012%); highest among the groups gnomAD compares: Non-Finnish European, 0.00017%; no homozygotes.

Submission:

Ambry Genetics
Classification: Uncertain significance for Inborn genetic diseases. Last evaluated: 2024-06-10. Review status: criteria provided, single submitter. Criteria: Ambry Variant Classification Scheme 2023. Collection method: clinical testing. Allele origin: germline.
Comment: The c.1003A>G (p.I335V) alteration is located in exon 12 (coding exon 12) of the PRPF19 gene. This alteration results from an A to G substitution at nucleotide position 1003, causing the isoleucine (I) at amino acid position 335 to be replaced by a valine (V). Based on data from gnomAD, the G allele has an overall frequency of 0.003% (1/31368) total alleles studied. The highest observed frequency was 0.007% (1/15404) of European (non-Finnish) alleles. This nucleotide position is highly conserved in available vertebrate species. This missense alteration is located in a region that has a low rate of benign missense variation (Lek, 2016; Firth, 2009). The in silico prediction for this alteration is inconclusive. Based on insufficient or conflicting evidence, the clinical significance of this alteration remains unclear.

NM_014502.5(PRPF19):c.1003A>G (p.Ile335Val)

Gene: PRPF19 (pre-mRNA processing factor 19; minus strand). Cytogenetic location: 11q12.2.
Variant type: single nucleotide variant.
Coding change: c.1003A>G on transcript NM_014502.5 (MANE Select); coding-DNA position 1003, A replaced by G.
Protein change: p.Ile335Val; replaces isoleucine 335 with valine.
Molecular consequence: missense variant.
Genome position (GRCh38, 1-based): chr11:60,898,913, T>C on the plus strand (A>G on the coding strand, the complement: PRPF19 is on the minus strand). VCF-style: chr11-60898913-T-C. GRCh37 (hg19) VCF-style: chr11-60666385-T-C.
Other names: short protein forms I335V.
Identifiers: ClinVar variation 3310352 (VCV003310352.1).